The following is an entry in ClinVar:

ClinVar aggregate classification (germline): Likely benign (0 of 4 stars; one submission).

Conditions:
BBS1-related disorder. Also called: BBS1-related condition.

Submission:

PreventionGenetics, part of Exact Sciences
Classification: Likely benign for BBS1-related condition. Last evaluated: 2023-02-10. Review status: no assertion criteria provided. Collection method: clinical testing. Allele origin: germline.
Comment: This variant is classified as likely benign based on ACMG/AMP sequence variant interpretation guidelines (Richards et al. 2015 PMID: 25741868, with internal and published modifications).

NM_024649.5(BBS1):c.125-9del

Gene: BBS1 (Bardet-Biedl syndrome 1; plus strand). Cytogenetic location: 11q13.2.
Variant type: Deletion.
Coding change: c.125-9del on transcript NM_024649.5 (MANE Select); 9 bases into the intron before coding-DNA position 125, one base deleted (G; older notation c.125-9delG).
Molecular consequence: intron variant.
Genome position (GRCh38, 1-based): chr11:66,511,196, G deleted. VCF-style (leftmost placement, unchanged base first): chr11-66511195-TG-T. GRCh37 (hg19) VCF-style: chr11-66278666-TG-T.
Identifiers: ClinVar variation 3356479 (VCV003356479.1).